The following is an entry in ClinVar:

ClinVar aggregate classification (germline): Uncertain significance (1 of 4 stars; one submission).

Conditions:
NSD1-related disorder. Also called: NSD1-related condition.

Allele frequency attached by ClinVar (database versions not stated): gnomAD exomes below 0.00001.
gnomAD v4.1: 3 of 1,614,028 alleles (0.00019%); highest among the groups gnomAD compares: South Asian, 0.0011%; no homozygotes.

Submission:

PreventionGenetics, part of Exact Sciences
Classification: Uncertain significance for NSD1-related condition. Last evaluated: 2023-01-24. Review status: criteria provided, single submitter. Criteria: ACMG Guidelines, 2015. Collection method: clinical testing. Allele origin: germline.
Comment: The NSD1 c.2860A>G variant is predicted to result in the amino acid substitution p.Lys954Glu. To our knowledge, this variant has not been reported in the literature or in a large population database, indicating this variant is rare. At this time, the clinical significance of this variant is uncertain due to the absence of conclusive functional and genetic evidence.

NM_022455.5(NSD1):c.2860A>G (p.Lys954Glu)

Gene: NSD1 (nuclear receptor binding SET domain protein 1; plus strand). Cytogenetic location: 5q35.3.
Variant type: single nucleotide variant.
Coding change: c.2860A>G on transcript NM_022455.5 (MANE Select); coding-DNA position 2860, A replaced by G.
Protein change: p.Lys954Glu; replaces lysine 954 with glutamic acid.
Molecular consequence: missense variant.
Genome position (GRCh38, 1-based): chr5:177,211,259, A>G. VCF-style: chr5-177211259-A-G. GRCh37 (hg19) VCF-style: chr5-176638260-A-G.
Other names: c.1987A>G, p.Lys663Glu (NM_001365684.2, NM_001409306.1, NM_001409307.1 and 3 more transcripts); c.2860A>G, p.Lys954Glu (NM_001409301.1, NM_001409302.1, NM_001409303.1); c.2440A>G, p.Lys814Glu (NM_001409304.1); c.2107A>G, p.Lys703Glu (NM_001409305.1); short protein forms K663E, K703E, K814E, K954E.
Identifiers: ClinVar variation 2629177 (VCV002629177.1), dbSNP rs1763314126, ClinGen allele CA362320741.